The following is an entry in ClinVar:

ClinVar aggregate classification (germline): Uncertain significance (1 of 4 stars; one submission).

Conditions:
Inborn genetic diseases. Identifiers: MedGen C0950123, MeSH D030342.

Submission:

Ambry Genetics
Classification: Uncertain significance for Inborn genetic diseases. Last evaluated: 2024-12-15. Review status: criteria provided, single submitter. Criteria: Ambry Variant Classification Scheme 2023. Collection method: clinical testing. Allele origin: germline.
Comment: The p.L913V variant (also known as c.2737T>G), located in coding exon 15 of the RECQL4 gene, results from a T to G substitution at nucleotide position 2737. The leucine at codon 913 is replaced by valine, an amino acid with highly similar properties. This amino acid position is conserved. Based on the available evidence, the clinical significance of this variant remains unclear.

NM_004260.4(RECQL4):c.2737T>G (p.Leu913Val)

Gene: RECQL4 (RecQ like helicase 4; minus strand). Cytogenetic location: 8q24.3.
Variant type: single nucleotide variant.
Coding change: c.2737T>G on transcript NM_004260.4 (MANE Select); coding-DNA position 2737, T replaced by G.
Protein change: p.Leu913Val; replaces leucine 913 with valine.
Molecular consequence: missense variant.
Genome position (GRCh38, 1-based): chr8:144,512,865, A>C on the plus strand (T>G on the coding strand, the complement: RECQL4 is on the minus strand). VCF-style: chr8-144512865-A-C. GRCh37 (hg19) VCF-style: chr8-145738248-A-C.
Other names: c.2443T>G, p.Leu815Val (NM_001413017.1); c.2539T>G, p.Leu847Val (NM_001413018.1); c.2737T>G, p.Leu913Val (NM_001413019.1, NM_001413036.1); c.2641T>G, p.Leu881Val (NM_001413020.1); c.1666T>G, p.Leu556Val (NM_001413021.1, NM_001413022.1, NM_001413023.1 and 5 more transcripts); c.2608T>G, p.Leu870Val (NM_001413025.1); c.1600T>G, p.Leu534Val (NM_001413027.1, NM_001413030.1, NM_001413032.1 and 1 more transcripts); c.2386T>G, p.Leu796Val (NM_001413029.1); and 6 more; short protein forms L796V, L847V, L881V, L512V, L534V, L546V, L869V, L870V.
Identifiers: ClinVar variation 2208187 (VCV002208187.3), dbSNP rs1301492933, ClinGen allele CA372674856.